The following is an entry in ClinVar:

ClinVar aggregate classification (germline): Uncertain significance (1 of 4 stars; one submission).

Allele frequency attached by ClinVar (database versions not stated): gnomAD exomes below 0.00001; gnomAD 0.00001.
gnomAD v4.1: 5 of 1,025,564 alleles (0.00049%); highest among the groups gnomAD compares: African/African-American, 0.0069%; no homozygotes.

Submission:

Labcorp Genetics (formerly Invitae), Labcorp
Classification: Uncertain significance. Last evaluated: 2022-02-11. Review status: criteria provided, single submitter. Criteria: Invitae Variant Classification Sherloc (09022015). Collection method: clinical testing. Allele origin: germline.
Comment: In summary, the available evidence is currently insufficient to determine the role of this variant in disease. Therefore, it has been classified as a Variant of Uncertain Significance. Advanced modeling of protein sequence and biophysical properties (such as structural, functional, and spatial information, amino acid conservation, physicochemical variation, residue mobility, and thermodynamic stability) performed at Invitae indicates that this missense variant is not expected to disrupt TRIO protein function. This variant has not been reported in the literature in individuals affected with TRIO-related conditions. The frequency data for this variant in the population databases is considered unreliable, as metrics indicate insufficient coverage at this position in the gnomAD database. This sequence change replaces alanine, which is neutral and non-polar, with valine, which is neutral and non-polar, at codon 20 of the TRIO protein (p.Ala20Val).

NM_007118.4(TRIO):c.59C>T (p.Ala20Val)

Gene: TRIO (trio Rho guanine nucleotide exchange factor; plus strand). Cytogenetic location: 5p15.2.
Variant type: single nucleotide variant.
Coding change: c.59C>T on transcript NM_007118.4 (MANE Select); coding-DNA position 59, C replaced by T.
Protein change: p.Ala20Val; replaces alanine 20 with valine.
Molecular consequence: missense variant. On other transcripts: non-coding transcript variant (1).
Genome position (GRCh38, 1-based): chr5:14,143,784, C>T. VCF-style: chr5-14143784-C-T. GRCh37 (hg19) VCF-style: chr5-14143893-C-T.
Other names: short protein forms A20V.
Identifiers: ClinVar variation 2096636 (VCV002096636.4), dbSNP rs1581221675, ClinGen allele CA359283232.
Genomic context (GRCh38, chr5:14,143,784, plus strand): 5'-CCATGAGCGGCAGCAGCGGCGGAGCCGCCGCCCCCGCCGCGTCCTCCGGCCCCGCCGCGG[C>T]GGCCAGCGCGGCTGGCTCGGGCTGCGGGGGCGGTGCCGGCGAGGGGGCAGAGGAGGCGGC-3'
Protein context (NP_009049.2, residues 10-30): APAASSGPAA[Ala20Val]ASAAGSGCGG